The following is an entry in ClinVar:

NM_001378964.1(CDON):c.790C>G (p.Pro264Ala)

Gene: CDON (cell adhesion associated, oncogene regulated; minus strand). Cytogenetic location: 11q24.2.
Variant type: single nucleotide variant.
Coding change: c.790C>G on transcript NM_001378964.1 (MANE Select); coding-DNA position 790, C replaced by G.
Protein change: p.Pro264Ala; replaces proline 264 with alanine.
Molecular consequence: missense variant.
Genome position (GRCh38, 1-based): chr11:126,017,226, G>C on the plus strand (C>G on the coding strand, the complement: CDON is on the minus strand). VCF-style: chr11-126017226-G-C. GRCh37 (hg19) VCF-style: chr11-125887121-G-C.
Other names: c.790C>G, p.Pro264Ala (NM_001243597.3, NM_001441161.1, NM_001441162.1 and 5 more transcripts); short protein forms P264A.
Identifiers: ClinVar variation 4778823 (VCV004778823.1).
Genomic context (GRCh38, chr11:126,017,226, plus strand): 5'-CCGCCGGGTCAACGCTATCAGTGGCAAGATGAGAATACAACCTTCTCCAGTTGCTTCCTG[G>C]TGCAATGTCCTGCCCGTCCTTTAGCCAATACACTTGAGGAGCCGGGACCCCACTCACCAC-3'
Protein context (NP_001365893.1, residues 254-274): YWLKDGQDIA[Pro264Ala]GSNWRRLYSH

ClinVar aggregate classification (germline): Uncertain significance (1 of 4 stars; one submission).

Conditions:
Holoprosencephaly 11 (HPE11). Identifiers: Orphanet 2162, MedGen C3280215, MONDO:0013642, OMIM 614226.

gnomAD v4.1: 17 of 1,614,064 alleles (0.0011%); highest among the groups gnomAD compares: Non-Finnish European, 0.0014%; no homozygotes.

Submission:

Labcorp Genetics (formerly Invitae), Labcorp
Classification: Uncertain significance for Holoprosencephaly 11. Last evaluated: 2025-09-08. Review status: criteria provided, single submitter. Criteria: Invitae Variant Classification Sherloc (09022015). Collection method: clinical testing. Allele origin: germline.
Comment: This sequence change replaces proline, which is neutral and non-polar, with alanine, which is neutral and non-polar, at codon 264 of the CDON protein (p.Pro264Ala). This variant is not present in population databases (gnomAD no frequency). This variant has not been reported in the literature in individuals affected with CDON-related conditions. Invitae Evidence Modeling of protein sequence and biophysical properties (such as structural, functional, and spatial information, amino acid conservation, physicochemical variation, residue mobility, and thermodynamic stability) indicates that this missense variant is not expected to disrupt CDON protein function with a negative predictive value of 80%. In summary, the available evidence is currently insufficient to determine the role of this variant in disease. Therefore, it has been classified as a Variant of Uncertain Significance.